The following is an entry in ClinVar:

NM_020831.6(MRTFA):c.2998C>A (p.Leu1000Met)

Gene: MRTFA (myocardin related transcription factor A; minus strand). Cytogenetic location: 22q13.1.
Variant type: single nucleotide variant.
Coding change: c.2998C>A on transcript NM_020831.6 (MANE Select); coding-DNA position 2998, C replaced by A.
Protein change: p.Leu1000Met; replaces leucine 1000 with methionine.
Molecular consequence: missense variant. On other transcripts: 3 prime UTR variant (1).
Genome position (GRCh38, 1-based): chr22:40,411,488, G>T on the plus strand (C>A on the coding strand, the complement: MRTFA is on the minus strand). VCF-style: chr22-40411488-G-T. GRCh37 (hg19) VCF-style: chr22-40807492-G-T.
Other names: c.2698C>A, p.Leu900Met (NM_001282660.2); c.2848C>A, p.Leu950Met (NM_001282661.3); c.*311C>A (NM_001282662.3); c.2803C>A, p.Leu935Met (NM_001318139.2); short protein forms L1000M, L900M, L950M, L935M.
Identifiers: ClinVar variation 2824308 (VCV002824308.3), dbSNP rs2517785908, ClinGen allele CA411651267.

ClinVar aggregate classification (germline): Uncertain significance (1 of 4 stars; one submission).

Submission:

Labcorp Genetics (formerly Invitae), Labcorp
Classification: Uncertain significance. Last evaluated: 2023-07-10. Review status: criteria provided, single submitter. Criteria: Invitae Variant Classification Sherloc (09022015). Collection method: clinical testing. Allele origin: germline.
Comment: This sequence change replaces leucine, which is neutral and non-polar, with methionine, which is neutral and non-polar, at codon 900 of the MKL1 protein (p.Leu900Met). This variant is not present in population databases (gnomAD no frequency). This variant has not been reported in the literature in individuals affected with MKL1-related conditions. An algorithm developed to predict the effect of missense changes on protein structure and function (PolyPhen-2) suggests that this variant is likely to be disruptive. In summary, the available evidence is currently insufficient to determine the role of this variant in disease. Therefore, it has been classified as a Variant of Uncertain Significance.